The following is an entry in ClinVar:

ClinVar aggregate classification (germline): Uncertain significance. Review status: criteria provided, single submitter (1 of 4 stars). 2 submissions from 2 submitters: Uncertain significance (1). 1 of the submissions does not count toward it. Last evaluated 2022-07-18.

Conditions:
MHC class II deficiency. Also called: Bare lymphocyte syndrome 2; BLS, TYPE II. Identifiers: Orphanet 572, MedGen C5447452, MONDO:0008855.

Allele frequency attached by ClinVar (database versions not stated): gnomAD exomes below 0.00001; ExAC 0.00001.
gnomAD v4.1: 5 of 1,614,252 alleles (0.00031%); highest among the groups gnomAD compares: African/African-American, 0.0013%; no homozygotes.

Submissions (2):

Labcorp Genetics (formerly Invitae), Labcorp
Classification: Uncertain significance for MHC class II deficiency. Last evaluated: 2022-07-18. Review status: criteria provided, single submitter. Criteria: Invitae Variant Classification Sherloc (09022015). Collection method: clinical testing. Allele origin: germline.
Comment: This sequence change replaces valine, which is neutral and non-polar, with methionine, which is neutral and non-polar, at codon 754 of the CIITA protein (p.Val754Met). This variant is present in population databases (rs757699642, gnomAD 0.0009%). This variant has not been reported in the literature in individuals affected with CIITA-related conditions. ClinVar contains an entry for this variant (Variation ID: 971472). Algorithms developed to predict the effect of missense changes on protein structure and function output the following: SIFT: "Deleterious"; PolyPhen-2: "Benign"; Align-GVGD: "Class C0". The methionine amino acid residue is found in multiple mammalian species, which suggests that this missense change does not adversely affect protein function. In summary, the available evidence is currently insufficient to determine the role of this variant in disease. Therefore, it has been classified as a Variant of Uncertain Significance.

Natera, Inc.
Classification: Uncertain significance for Bare lymphocyte syndrome type II. Last evaluated: 2021-03-23. Review status: no assertion criteria provided. Collection method: clinical testing. Allele origin: germline. Not counted in ClinVar's aggregate classification.

NM_000246.4(CIITA):c.2260G>A (p.Val754Met)

Gene: CIITA (class II major histocompatibility complex transactivator; plus strand). Cytogenetic location: 16p13.13.
Variant type: single nucleotide variant.
Coding change: c.2260G>A on transcript NM_000246.4 (MANE Select); coding-DNA position 2260, G replaced by A.
Protein change: p.Val754Met; replaces valine 754 with methionine.
Molecular consequence: missense variant. On other transcripts: intron variant (1).
Genome position (GRCh38, 1-based): chr16:10,907,752, G>A. VCF-style: chr16-10907752-G-A. GRCh37 (hg19) VCF-style: chr16-11001609-G-A.
Other names: c.2263G>A, p.Val755Met (NM_001286402.1, NM_001379332.1); c.2116G>A, p.Val706Met (NM_001379330.1); c.2113G>A, p.Val705Met (NM_001379331.1); c.2260G>A, p.Val754Met (NM_001379333.1); c.2191G>A, p.Val731Met (NM_001379334.1); c.860-1231G>A (NM_001286403.2); short protein forms V731M, V754M, V755M, V705M, V706M.
Identifiers: ClinVar variation 971472 (VCV000971472.11), dbSNP rs757699642, ClinGen allele CA7900331.